The following is an entry in ClinVar:

ClinVar aggregate classification (germline): Uncertain significance (1 of 4 stars; one submission).

Submission:

Labcorp Genetics (formerly Invitae), Labcorp
Classification: Uncertain significance. Last evaluated: 2024-05-07. Review status: criteria provided, single submitter. Criteria: Invitae Variant Classification Sherloc (09022015). Collection method: clinical testing. Allele origin: germline.
Comment: The TCF3 gene has multiple clinically relevant transcripts. This variant occurs in alternate transcript NM_001136139.3, and corresponds to NM_003200.4:c.1823-384T>C in the primary transcript. This sequence change replaces isoleucine, which is neutral and non-polar, with threonine, which is neutral and polar, at codon 596 of the TCF3 protein (p.Ile596Thr). This variant is not present in population databases (gnomAD no frequency). This variant has not been reported in the literature in individuals affected with TCF3-related conditions. Algorithms developed to predict the effect of sequence changes on RNA splicing suggest that this variant is not likely to affect RNA splicing. In summary, the available evidence is currently insufficient to determine the role of this variant in disease. Therefore, it has been classified as a Variant of Uncertain Significance.

NM_001136139.4(TCF3):c.1787T>C (p.Ile596Thr)

Gene: TCF3 (transcription factor 3; minus strand). Cytogenetic location: 19p13.3.
Variant type: single nucleotide variant.
Coding change: c.1787T>C on transcript NM_001136139.4 (MANE Plus Clinical); coding-DNA position 1787, T replaced by C.
Protein change: p.Ile596Thr; replaces isoleucine 596 with threonine.
Molecular consequence: missense variant. On other transcripts: intron variant (2).
Genome position (GRCh38, 1-based): chr19:1,612,233, A>G on the plus strand (T>C on the coding strand, the complement: TCF3 is on the minus strand). VCF-style: chr19-1612233-A-G. GRCh37 (hg19) VCF-style: chr19-1612232-A-G.
Other names: c.1787T>C, p.Ile596Thr (NM_001351779.2); c.1820-384T>C (NM_001351778.2); c.1823-384T>C (NM_003200.5); short protein forms I596T.
Identifiers: ClinVar variation 3652558 (VCV003652558.2).